The following is an entry in ClinVar:

NM_001849.4(COL6A2):c.*45G>A

Gene: COL6A2 (collagen type VI alpha 2 chain; plus strand). Cytogenetic location: 21q22.3.
Variant type: single nucleotide variant.
Coding change: c.*45G>A on transcript NM_001849.4 (MANE Select); 45 bases downstream of the stop codon, G replaced by A.
Molecular consequence: 3 prime UTR variant.
Genome position (GRCh38, 1-based): chr21:46,132,597, G>A. VCF-style: chr21-46132597-G-A. GRCh37 (hg19) VCF-style: chr21-47552511-G-A.
Identifiers: ClinVar variation 340391 (VCV000340391.6), dbSNP rs552240091, ClinGen allele CA10073182.
Genomic context (GRCh38, chr21:46,132,597, plus strand): 5'-CCGCTGGATCTGCTAGCGCCGCCGCCCGGGCCCCGCAGTCGAGGGTCGTGAGCCCACCCC[G>A]TCCATGGTGCTAAGCGGGCCCGGGTCCCACACGGCCAGCACCGCTGCTCACTCGGACGAC-3'

ClinVar aggregate classification (germline): Benign (1 of 4 stars; one submission).

Conditions:
Collagen 6-related myopathy. Identifiers: MedGen CN117976, MONDO:0100225.

Allele frequency attached by ClinVar (database versions not stated): gnomAD 0.00011 and 0.00015; TOPMed 0.00011; 1000 Genomes Project 30x 0.00016; 1000 Genomes Project 0.00020; gnomAD exomes 0.00026 and 0.00064; ExAC 0.00132.

Submission:

Illumina Laboratory Services, Illumina
Classification: Benign for Collagen VI-related myopathy. Last evaluated: 2018-01-12. Review status: criteria provided, single submitter. Criteria: ICSL Variant Classification Criteria 13 December 2019. Collection method: clinical testing. Allele origin: germline.
Comment: This variant was observed in the ICSL laboratory as part of a predisposition screen in an ostensibly healthy population. It had not been previously curated by ICSL or reported in the Human Gene Mutation Database (HGMD: prior to June 1st, 2018), and was therefore a candidate for classification through an automated scoring system. Utilizing variant allele frequency, disease prevalence and penetrance estimates, and inheritance mode, an automated score was calculated to assess if this variant is too frequent to cause the disease. Based on the score and internal cut-off values, a variant classified as benign is not then subjected to further curation. The score for this variant resulted in a classification of benign for this disease.